The following is an entry in ClinVar:

ClinVar aggregate classification (germline): Uncertain significance (1 of 4 stars; one submission).

gnomAD v4.1: 2 of 1,613,162 alleles (0.00012%); highest among the groups gnomAD compares: Non-Finnish European, 0.00017%; no homozygotes.

Submission:

Women's Health and Genetics/Laboratory Corporation of America, LabCorp
Classification: Uncertain significance. Last evaluated: 2026-05-07. Review status: criteria provided, single submitter. Criteria: LabCorp Variant Classification Summary - May 2015. Collection method: clinical testing. Allele origin: germline.
Comment: Variant summary: ITGA2B c.2179A>G (p.Asn727Asp) results in a conservative amino acid change in the encoded protein sequence. Algorithms developed to predict the effect of missense changes on protein structure and function all suggest that this variant is likely to be tolerated. The variant allele was found at a frequency of 4e-06 in 251224 control chromosomes. The available data on variant occurrences in the general population are insufficient to allow any conclusion about variant significance. To our knowledge, no occurrence of c.2179A>G in individuals affected with ITGA2B-related conditions and no experimental evidence demonstrating its impact on protein function have been reported. No submitters have cited clinical-significance assessments for this variant to ClinVar. Based on the evidence outlined above, the variant was classified as uncertain significance.

NM_000419.5(ITGA2B):c.2179A>G (p.Asn727Asp)

Gene: ITGA2B (integrin subunit alpha 2b; minus strand). Cytogenetic location: 17q21.31.
Variant type: single nucleotide variant.
Coding change: c.2179A>G on transcript NM_000419.5 (MANE Select); coding-DNA position 2179, A replaced by G.
Protein change: p.Asn727Asp; replaces asparagine 727 with aspartic acid.
Molecular consequence: missense variant.
Genome position (GRCh38, 1-based): chr17:44,377,706, T>C on the plus strand (A>G on the coding strand, the complement: ITGA2B is on the minus strand). VCF-style: chr17-44377706-T-C. GRCh37 (hg19) VCF-style: chr17-42455074-T-C.
Other names: short protein forms N727D.
Identifiers: ClinVar variation 4853496 (VCV004853496.1).